The following is an entry in ClinVar:

ClinVar aggregate classification (germline): Uncertain significance (1 of 4 stars; one submission).

gnomAD v4.1: 24 of 1,614,056 alleles (0.0015%); highest among the groups gnomAD compares: Non-Finnish European, 0.002%; no homozygotes.

Submission:

Labcorp Genetics (formerly Invitae), Labcorp
Classification: Uncertain significance. Last evaluated: 2024-10-23. Review status: criteria provided, single submitter. Criteria: Invitae Variant Classification Sherloc (09022015). Collection method: clinical testing. Allele origin: germline.
Comment: This sequence change replaces threonine, which is neutral and polar, with serine, which is neutral and polar, at codon 391 of the ACOX2 protein (p.Thr391Ser). This variant is present in population databases (no rsID available, gnomAD 0.0009%). This variant has not been reported in the literature in individuals affected with ACOX2-related conditions. Invitae Evidence Modeling of protein sequence and biophysical properties (such as structural, functional, and spatial information, amino acid conservation, physicochemical variation, residue mobility, and thermodynamic stability) indicates that this missense variant is not expected to disrupt ACOX2 protein function with a negative predictive value of 80%. In summary, the available evidence is currently insufficient to determine the role of this variant in disease. Therefore, it has been classified as a Variant of Uncertain Significance.

NM_003500.4(ACOX2):c.1171A>T (p.Thr391Ser)

Gene: ACOX2 (acyl-CoA oxidase 2; minus strand). Cytogenetic location: 3p14.3.
Variant type: single nucleotide variant.
Coding change: c.1171A>T on transcript NM_003500.4 (MANE Select); coding-DNA position 1171, A replaced by T.
Protein change: p.Thr391Ser; replaces threonine 391 with serine.
Molecular consequence: missense variant.
Genome position (GRCh38, 1-based): chr3:58,526,641, T>A on the plus strand (A>T on the coding strand, the complement: ACOX2 is on the minus strand). VCF-style: chr3-58526641-T-A. GRCh37 (hg19) VCF-style: chr3-58512368-T-A.
Other names: short protein forms T391S.
Identifiers: ClinVar variation 2816459 (VCV002816459.3), dbSNP rs1286183218, ClinGen allele CA353370467.